The following is an entry in ClinVar:

ClinVar aggregate classification (germline): Uncertain significance (1 of 4 stars; one submission).

Conditions:
Inborn genetic diseases. Identifiers: MedGen C0950123, MeSH D030342.

Submission:

Ambry Genetics
Classification: Uncertain significance for Inborn genetic diseases. Last evaluated: 2024-10-18. Review status: criteria provided, single submitter. Criteria: Ambry Variant Classification Scheme 2023. Collection method: clinical testing. Allele origin: germline.
Comment: The p.G624E variant (also known as c.1871G>A), located in coding exon 16 of the LRRK2 gene, results from a G to A substitution at nucleotide position 1871. The glycine at codon 624 is replaced by glutamic acid, an amino acid with similar properties. This amino acid position is conserved. In addition, this alteration is predicted to be tolerated by in silico analysis. Based on the available evidence, the clinical significance of this variant remains unclear.

NM_198578.4(LRRK2):c.1871G>A (p.Gly624Glu)

Gene: LRRK2 (leucine rich repeat kinase 2; plus strand). Cytogenetic location: 12q12.
Variant type: single nucleotide variant.
Coding change: c.1871G>A on transcript NM_198578.4 (MANE Select); coding-DNA position 1871, G replaced by A.
Protein change: p.Gly624Glu; replaces glycine 624 with glutamic acid.
Molecular consequence: missense variant.
Genome position (GRCh38, 1-based): chr12:40,274,923, G>A. VCF-style: chr12-40274923-G-A. GRCh37 (hg19) VCF-style: chr12-40668725-G-A.
Other names: short protein forms G624E.
Identifiers: ClinVar variation 3540739 (VCV003540739.1).
Genomic context (GRCh38, chr12:40,274,923, plus strand): 5'-GTCTGGGTTTAAGTCTTATAGGATACTTGATTACAAAGAAGAATGTGTTCATAGGAACTG[G>A]ACATCTGCTGGCAAAAATTCTGGTTTCCAGCTTATACCGATTTAAGGATGTTGCTGAAAT-3'
Protein context (NP_940980.4, residues 614-634): ITKKNVFIGT[Gly624Glu]HLLAKILVSS